The following is an entry in ClinVar:

ClinVar aggregate classification (germline): Uncertain significance. Review status: criteria provided, multiple submitters, no conflicts (2 of 4 stars). 3 submissions from 3 submitters: Uncertain significance (3). Last evaluated 2024-09-04.

Conditions:
Inborn genetic diseases. Identifiers: MedGen C0950123, MeSH D030342.
T-cell immunodeficiency, congenital alopecia, and nail dystrophy. Also called: Congenital alopecia and nail dystrophy associated with severe functional T-cell immunodeficiency; Pignata Guarino syndrome. Identifiers: Orphanet 169095, MedGen C1866426, MONDO:0011132, OMIM 601705.

gnomAD v4.1: 8 of 1,613,912 alleles (0.0005%); highest among the groups gnomAD compares: African/African-American, 0.0053%; no homozygotes.

Submissions (3):

Ambry Genetics
Classification: Uncertain significance for Inborn genetic diseases. Last evaluated: 2024-09-04. Review status: criteria provided, single submitter. Criteria: Ambry Variant Classification Scheme 2023. Collection method: clinical testing. Allele origin: germline.

GeneDx
Classification: Uncertain significance. Last evaluated: 2024-07-11. Review status: criteria provided, single submitter. Criteria: GeneDx Variant Classification Process June 2021. Collection method: clinical testing. Allele origin: germline. Affected: yes.
Comment: Not observed at significant frequency in large population cohorts (gnomAD); In silico analysis indicates that this missense variant does not alter protein structure/function; Has not been previously published as pathogenic or benign to our knowledge

Labcorp Genetics (formerly Invitae), Labcorp
Classification: Uncertain significance for T-cell immunodeficiency, congenital alopecia, and nail dystrophy. Last evaluated: 2024-04-16. Review status: criteria provided, single submitter. Criteria: Invitae Variant Classification Sherloc (09022015). Collection method: clinical testing. Allele origin: germline.
Comment: This sequence change replaces histidine, which is basic and polar, with tyrosine, which is neutral and polar, at codon 427 of the FOXN1 protein (p.His427Tyr). This variant is present in population databases (rs770510635, gnomAD 0.0009%). This variant has not been reported in the literature in individuals affected with FOXN1-related conditions. Advanced modeling of protein sequence and biophysical properties (such as structural, functional, and spatial information, amino acid conservation, physicochemical variation, residue mobility, and thermodynamic stability) performed at Invitae indicates that this missense variant is not expected to disrupt FOXN1 protein function with a negative predictive value of 80%. In summary, the available evidence is currently insufficient to determine the role of this variant in disease. Therefore, it has been classified as a Variant of Uncertain Significance.

NM_001369369.1(FOXN1):c.1279C>T (p.His427Tyr)

Gene: FOXN1 (forkhead box N1; plus strand). Cytogenetic location: 17q11.2.
Variant type: single nucleotide variant.
Coding change: c.1279C>T on transcript NM_001369369.1 (MANE Select); coding-DNA position 1279, C replaced by T.
Protein change: p.His427Tyr; replaces histidine 427 with tyrosine.
Molecular consequence: missense variant.
Genome position (GRCh38, 1-based): chr17:28,534,850, C>T. VCF-style: chr17-28534850-C-T. GRCh37 (hg19) VCF-style: chr17-26861868-C-T.
Other names: c.1279C>T, p.His427Tyr (NM_003593.3); short protein forms H427Y.
Identifiers: ClinVar variation 3022030 (VCV003022030.5), dbSNP rs770510635, ClinGen allele CA8459491.